The following is an entry in ClinVar:

ClinVar aggregate classification (germline): Uncertain significance (1 of 4 stars; one submission).

Conditions:
Hereditary cancer-predisposing syndrome. Also called: Tumor predisposition; Hereditary Cancer Syndrome; Hereditary neoplastic syndrome; Neoplastic Syndromes, Hereditary. Identifiers: Orphanet 140162, MedGen C0027672, MeSH D009386, MONDO:0015356.

gnomAD v4.1: 3 of 1,613,538 alleles (0.00019%); highest among the groups gnomAD compares: Non-Finnish European, 0.00025%; no homozygotes.

Submission:

Ambry Genetics
Classification: Uncertain significance for Hereditary cancer-predisposing syndrome. Last evaluated: 2025-10-05. Review status: criteria provided, single submitter. Criteria: Ambry Variant Classification Scheme 2023. Collection method: clinical testing. Allele origin: germline.
Comment: The p.K359E variant (also known as c.1075A>G), located in coding exon 11 of the RB1 gene, results from an A to G substitution at nucleotide position 1075. The lysine at codon 359 is replaced by glutamic acid, an amino acid with similar properties. This amino acid position is conserved. In addition, this alteration is predicted to be deleterious by in silico analysis. Based on the available evidence, the clinical significance of this variant remains unclear.

NM_000321.3(RB1):c.1075A>G (p.Lys359Glu)

Gene: RB1 (RB transcriptional corepressor 1; plus strand). Cytogenetic location: 13q14.2.
Variant type: single nucleotide variant.
Coding change: c.1075A>G on transcript NM_000321.3 (MANE Select); coding-DNA position 1075, A replaced by G.
Protein change: p.Lys359Glu; replaces lysine 359 with glutamic acid.
Molecular consequence: missense variant.
Genome position (GRCh38, 1-based): chr13:48,368,552, A>G. VCF-style: chr13-48368552-A-G. GRCh37 (hg19) VCF-style: chr13-48942688-A-G.
Other names: c.1075A>G, p.Lys359Glu (NM_001407165.1, NM_001407166.1); short protein forms K359E.
Identifiers: ClinVar variation 4543873 (VCV004543873.1).
Genomic context (GRCh38, chr13:48,368,552, plus strand): 5'-TCAGTATGTGAATGACTTCACTTATTGTTATTTAGTTTTGAAACACAGAGAACACCACGA[A>G]AAAGTAACCTTGATGAAGAGGTGAATGTAATTCCTCCACACACTCCAGTTAGGTATGAAT-3'
Protein context (NP_000312.2, residues 349-369): DSFETQRTPR[Lys359Glu]SNLDEEVNVI